The following is an entry in ClinVar:

ClinVar aggregate classification (germline): Pathogenic. Review status: criteria provided, single submitter (1 of 4 stars). 2 submissions from 2 submitters: Pathogenic (1). 1 of the submissions does not count toward it. Last evaluated 2023-12-07.

Conditions:
Neurofibromatosis, type 1 (NF1). Also called: Peripheral type neurofibromatosis; Neurofibromatosis, type I; VON RECKLINGHAUSEN DISEASE; NEUROFIBROMATOSIS, TYPE I, SOMATIC. Identifiers: Orphanet 636, MedGen C0027831, MONDO:0018975, OMIM 162200. Disease mechanism: loss of function.

Submissions (2):

Labcorp Genetics (formerly Invitae), Labcorp
Classification: Pathogenic for Neurofibromatosis, type 1. Last evaluated: 2023-12-07. Review status: criteria provided, single submitter. Criteria: Invitae Variant Classification Sherloc (09022015). Collection method: clinical testing. Allele origin: germline.
Comment: This sequence change replaces tryptophan, which is neutral and slightly polar, with arginine, which is basic and polar, at codon 1048 of the NF1 protein (p.Trp1048Arg). This variant is not present in population databases (gnomAD no frequency). This missense change has been observed in individual(s) with clinical features of neurofibromatosis type 1 (PMID: 23758643; Invitae). In at least one individual the variant was observed to be de novo. ClinVar contains an entry for this variant (Variation ID: 1048711). Advanced modeling of protein sequence and biophysical properties (such as structural, functional, and spatial information, amino acid conservation, physicochemical variation, residue mobility, and thermodynamic stability) performed at Invitae indicates that this missense variant is expected to disrupt NF1 protein function with a positive predictive value of 95%. For these reasons, this variant has been classified as Pathogenic.

Laboratory of Medical Genetics, National & Kapodistrian University of Athens
Classification: Likely pathogenic for Neurofibromatosis, type 1. Last evaluated: 2019-01-01. Review status: no assertion criteria provided. Collection method: clinical testing. Allele origin: germline. Affected: yes. Not counted in ClinVar's aggregate classification.

Literature cited by the submitters: PubMed 23758643 (cited by Labcorp Genetics (formerly Invitae), Labcorp).

NM_001042492.3(NF1):c.3142T>C (p.Trp1048Arg)

Gene: NF1 (neurofibromin 1; plus strand). Cytogenetic location: 17q11.2.
Variant type: single nucleotide variant.
Coding change: c.3142T>C on transcript NM_001042492.3 (MANE Select); coding-DNA position 3142, T replaced by C.
Protein change: p.Trp1048Arg; replaces tryptophan 1048 with arginine.
Molecular consequence: missense variant.
Genome position (GRCh38, 1-based): chr17:31,230,870, T>C. VCF-style: chr17-31230870-T-C. GRCh37 (hg19) VCF-style: chr17-29557888-T-C.
Other names: c.3142T>C, p.Trp1048Arg (NM_000267.4); short protein forms W1048R.
Identifiers: ClinVar variation 1048711 (VCV001048711.9), dbSNP rs1555614634, ClinGen allele CA398987980.
Genomic context (GRCh38, chr17:31,230,870, plus strand): 5'-TTGCTGTTTCTCTTTTCTCCACCATTCTATAGGAATAAGATGGTAGAATACCTGACAGAC[T>C]GGGTTATGGGAACATCAAACCAAGCAGCAGATGATGATGTAAAATGTCTTACAAGGTAAA-3'
Protein context (NP_001035957.1, residues 1038-1058): RNKMVEYLTD[Trp1048Arg]VMGTSNQAAD